The following is an entry in ClinVar:

ClinVar aggregate classification (germline): Pathogenic/Likely pathogenic. Review status: criteria provided, multiple submitters, no conflicts (2 of 4 stars). 3 submissions from 3 submitters: Pathogenic (1); Likely pathogenic (2). Last evaluated 2026-06-09.

Conditions:
Congenital disorder of glycosylation type 1EE with or without immunodeficiency. Identifiers: Orphanet 695110, MedGen C6012707, MONDO:0976261, OMIM 621140.

gnomAD v4.1: 72 of 1,611,846 alleles (0.0045%); highest among the groups gnomAD compares: Middle Eastern, 0.12%; no homozygotes.

Submissions (3):

Department of Molecular Genetics, Istishari Arab Hospital
Classification: Pathogenic for Congenital disorder of glycosylation type 1EE with or without immunodeficiency. Last evaluated: 2026-06-09. Review status: criteria provided, single submitter. Criteria: ACMG Guidelines, 2015. Collection method: clinical testing. Allele origin: germline. Inheritance: Autosomal recessive inheritance. Affected: yes.
Comment: The MAN2B2 variant c.852G>A, p.Trp284* causes a premature stop codon at position 284 in exon 6 (out of 19). The variant is observed with very low frequency in the gnomAD v4.1.0 dataset (<0.001), and to the best of our knowledge, it was not previously reported in the literature. It is classified as pathogenic based on ACMG/AMP/ClinGen SVI guidelines.

Medical Molecular Genetics, National Research Centre
Classification: Likely pathogenic for Congenital disorder of glycosylation type 1EE with or without immunodeficiency. Last evaluated: 2025-11-01. Review status: criteria provided, single submitter. Criteria: ACMG Guidelines, 2015. Collection method: research. Allele origin: inherited. Affected: yes.

First Genomix Gene Laboratory, Genetic Diagnostics Department
Classification: Likely pathogenic for Congenital disorder of glycosylation type 1EE with or without immunodeficiency. Last evaluated: 2025-05-02. Review status: criteria provided, single submitter. Criteria: ACMG Guidelines, 2015. Collection method: clinical testing. Allele origin: germline. Inheritance: Autosomal recessive inheritance. Affected: no. Observed: 1 variant allele.

NM_015274.3(MAN2B2):c.852G>A (p.Trp284Ter)

Gene: MAN2B2 (mannosidase alpha class 2B member 2; plus strand). Cytogenetic location: 4p16.1.
Variant type: single nucleotide variant.
Coding change: c.852G>A on transcript NM_015274.3 (MANE Select); coding-DNA position 852, G replaced by A.
Protein change: p.Trp284Ter; replaces tryptophan 284 with a stop codon.
Molecular consequence: nonsense. On other transcripts: intron variant (1).
Genome position (GRCh38, 1-based): chr4:6,593,344, G>A. VCF-style: chr4-6593344-G-A. GRCh37 (hg19) VCF-style: chr4-6595071-G-A.
Other names: p.Trp284*; c.792+60G>A (NM_001292038.2); short protein forms W284*.
Identifiers: ClinVar variation 4529497 (VCV004529497.3).